The following is an entry in ClinVar:

ClinVar aggregate classification (germline): Likely benign (1 of 4 stars; one submission).

Conditions:
MYH14-related disorder. Also called: MYH14-related condition.

gnomAD v4.1: 10 of 1,597,226 alleles (0.00063%); highest among the groups gnomAD compares: Admixed American, 0.0017%; no homozygotes.

Submission:

PreventionGenetics, part of Exact Sciences
Classification: Likely benign for MYH14-related condition. Last evaluated: 2025-08-19. Review status: criteria provided, single submitter. Criteria: ACMG Guidelines, 2015. Collection method: clinical testing. Allele origin: germline.
Comment: This variant is classified as likely benign based on ACMG/AMP sequence variant interpretation guidelines (Richards et al. 2015 PMID: 25741868, with internal and published modifications).

NM_001145809.2(MYH14):c.1211-9C>T

Gene: MYH14 (myosin heavy chain 14; plus strand). Cytogenetic location: 19q13.33.
Variant type: single nucleotide variant.
Coding change: c.1211-9C>T on transcript NM_001145809.2 (MANE Select); 9 bases into the intron before coding-DNA position 1211, C replaced by T.
Molecular consequence: intron variant.
Genome position (GRCh38, 1-based): chr19:50,246,995, C>T. VCF-style: chr19-50246995-C-T. GRCh37 (hg19) VCF-style: chr19-50750252-C-T.
Other names: c.1211-9C>T (NM_001077186.2); c.1187-9C>T (NM_024729.4).
Identifiers: ClinVar variation 4986017 (VCV004986017.1).
Genomic context (GRCh38, chr19:50,246,995, plus strand): 5'-CCTCTCCCTTGCTGGGCAGCAAGCACCTCTTCCCAGTGCTGATGGAATCTTGGTGCCTCT[C>T]GCCCTCAGCTGCACAGAAGCTCTGCCGCCTCTTGGGACTGGGGGTGACGGATTTCTCCCG-3'